The following is an entry in ClinVar:

NM_000444.6(PHEX):c.1768+5G>A

Genes: PHEX (phosphate regulating endopeptidase X-linked; plus strand), PTCHD1-AS (PTCHD1 and PHEX antisense RNA; minus strand). Cytogenetic location: Xp22.11.
Variant type: single nucleotide variant.
Coding change: c.1768+5G>A on transcript NM_000444.6 (MANE Select); 5 bases into the intron after coding-DNA position 1768, G replaced by A.
Molecular consequence: intron variant.
Genome position (GRCh38, 1-based): chrX:22,219,108, G>A. VCF-style: chrX-22219108-G-A. GRCh37 (hg19) VCF-style: chrX-22237225-G-A.
Other names: c.1768+5G>A (NM_001282754.2).
Identifiers: ClinVar variation 805126 (VCV000805126.11), dbSNP rs1057524608, ClinGen allele CA915950783.

ClinVar aggregate classification (germline): Conflicting classifications of pathogenicity. Review status: criteria provided, conflicting classifications (1 of 4 stars). 3 submissions from 3 submitters: Pathogenic (1); Uncertain significance (1). 1 of the submissions does not count toward it. Last evaluated 2021-10-05.

Conditions:
Familial X-linked hypophosphatemic vitamin D refractory rickets (XLHRD). Also called: HYPOPHOSPHATEMIC VITAMIN D-RESISTANT RICKETS; Hypophosphatemia, vitamin D-resistant rickets; Vitamin D-resistant rickets, X-linked; X-Linked Hypophosphatemia; Hypophosphatemic Rickets, X-Linked Dominant. Identifiers: Orphanet 89936, MedGen C0733682, MONDO:0010619, OMIM 307800.

Submissions (3):

Labcorp Genetics (formerly Invitae), Labcorp
Classification: Pathogenic. Last evaluated: 2021-10-05. Review status: criteria provided, single submitter. Criteria: Invitae Variant Classification Sherloc (09022015). Collection method: clinical testing. Allele origin: germline.
Comment: This sequence change falls in intron 17 of the PHEX gene. It does not directly change the encoded amino acid sequence of the PHEX protein, but it affects a nucleotide within the consensus splice site of the intron. This variant is not present in population databases (ExAC no frequency). For these reasons, this variant has been classified as Pathogenic. Nucleotide substitutions within the consensus splice site are a relatively common cause of aberrant splicing (PMID: 17576681, 9536098). Experimental studies have shown that this variant disrupts mRNA splicing (PMID: 31102713). This variant has been observed in individual(s) with hypophosphatemic rickets (PMID: 18162710, 30682568, 14564077, Invitae).

Athena Diagnostics
Classification: Uncertain significance. Last evaluated: 2018-11-23. Review status: criteria provided, single submitter. Criteria: Athena Diagnostics Criteria. Collection method: clinical testing. Allele origin: germline.

Kasturba Medical College, Manipal, Kasturba Medical College, Manipal, Manipal Academy of Higher Education, Manipal, India
Classification: Pathogenic for Familial X-linked hypophosphatemic vitamin D refractory rickets. Review status: no assertion criteria provided. Collection method: clinical testing. Allele origin: unknown. Affected: yes. Not counted in ClinVar's aggregate classification.

Literature cited by the submitters: PubMed 17576681 (cited by Labcorp Genetics (formerly Invitae), Labcorp); PubMed 9536098 (cited by Labcorp Genetics (formerly Invitae), Labcorp); PubMed 31102713 (cited by Labcorp Genetics (formerly Invitae), Labcorp); PubMed 18162710 (cited by Labcorp Genetics (formerly Invitae), Labcorp and Athena Diagnostics); PubMed 30682568 (cited by Labcorp Genetics (formerly Invitae), Labcorp); PubMed 14564077 (cited by Labcorp Genetics (formerly Invitae), Labcorp and Athena Diagnostics); PubMed 25525159 (cited by Athena Diagnostics); DOI 10.11817/j.issn.1672-7347.2021.200072 (cited by Kasturba Medical College, Manipal, Kasturba Medical College, Manipal, Manipal Academy of Higher Education, Manipal, India).